The following is an entry in ClinVar:

ClinVar aggregate classification (germline): Pathogenic (1 of 4 stars; one submission).

Submission:

Labcorp Genetics (formerly Invitae), Labcorp
Classification: Pathogenic. Last evaluated: 2023-12-20. Review status: criteria provided, single submitter. Criteria: Invitae Variant Classification Sherloc (09022015). Collection method: clinical testing. Allele origin: unknown.
Comment: This variant results in a copy number gain of the genomic region encompassing exon(s) 3 of the TCF20 gene. While the exact position of this variant cannot be determined from the data, sub-genic copy number gains are generally in tandem (PMID: 25640679). This variant is predicted to be out-of-frame, and may result in an absent or disrupted protein product. Loss-of-function variants in TCF20 are known to be pathogenic (PMID: 30739909, 30819258). A similar copy number variant has been observed in individual(s) with TCF20-related conditions (Invitae). In at least one individual the variant was observed to be de novo. For these reasons, this variant has been classified as Pathogenic.

Literature cited by the submitters: PubMed 25640679; PubMed 30739909; PubMed 30819258.

NC_000022.10:g.(?_42575595)_(42575728_?)dup

Gene: TCF20 (transcription factor 20; minus strand). Cytogenetic location: 22q13.2.
Variant type: Duplication.
Identifiers: ClinVar variation 3248110 (VCV003248110.1).